The following is an entry in ClinVar:

ClinVar aggregate classification (germline): Uncertain significance. Review status: no assertion criteria provided (0 of 4 stars). 2 submissions from 1 submitter: Uncertain significance (1). 1 of the submissions does not count toward it.

Submissions (2):

Richard Lifton Laboratory, Yale University School of Medicine
Classification: Uncertain significance. Review status: no assertion criteria provided. Collection method: not provided. Allele origin: somatic.
Comment: ATP7B:p.G891A
ClinVar note: Converted during submission from unknown to Uncertain significance.

Richard Lifton Laboratory, Yale University School of Medicine
Classification: Uncertain significance. Review status: flagged submission. Collection method: not provided. Allele origin: somatic. Not counted in ClinVar's aggregate classification.
ClinVar note: Converted during submission from unknown to Uncertain significance.
ClinVar note: Reason: This record appears to be redundant with a more recent record from the same submitter.
ClinVar note: Notes: SCV000120023 appears to be redundant with SCV000155126.

NM_000053.4(ATP7B):c.2672G>C (p.Gly891Ala)

Gene: ATP7B (ATPase copper transporting beta; minus strand). Cytogenetic location: 13q14.3.
Variant type: single nucleotide variant.
Coding change: c.2672G>C on transcript NM_000053.4 (MANE Select); coding-DNA position 2672, G replaced by C.
Protein change: p.Gly891Ala; replaces glycine 891 with alanine.
Molecular consequence: missense variant.
Genome position (GRCh38, 1-based): chr13:51,950,065, C>G on the plus strand (G>C on the coding strand, the complement: ATP7B is on the minus strand). VCF-style: chr13-51950065-C-G. GRCh37 (hg19) VCF-style: chr13-52524201-C-G.
Other names: c.2186G>C, p.Gly729Ala (NM_001005918.3); c.2339G>C, p.Gly780Ala (NM_001243182.2); c.2438G>C, p.Gly813Ala (NM_001330578.2); c.2420G>C, p.Gly807Ala (NM_001330579.2); short protein forms G891A, G729A, G807A, G780A, G813A.
Identifiers: ClinVar variation 100803 (VCV000100803.2), dbSNP rs483352684, ClinGen allele CA228984.